The following is an entry in ClinVar:

ClinVar aggregate classification (germline): Likely pathogenic. Review status: criteria provided, multiple submitters, no conflicts (2 of 4 stars). 3 submissions from 3 submitters: Likely pathogenic (3). Last evaluated 2024-08-11.

Conditions:
CRX-related disorders.
Leber congenital amaurosis 7 (LCA7). Identifiers: Orphanet 65, MedGen C3151192, MONDO:0013449, OMIM 613829.
Cone-rod dystrophy 2 (CORD2). Also called: CONE-ROD RETINAL DYSTROPHY; Cone-rod retinal dystrophy 2. Identifiers: Orphanet 1872, MedGen C3489532, MONDO:0007362, OMIM 120970.

Submissions (3):

Labcorp Genetics (formerly Invitae), Labcorp
Classification: Likely pathogenic for Cone-rod dystrophy 2; Leber congenital amaurosis 7. Last evaluated: 2024-08-11. Review status: criteria provided, single submitter. Criteria: Invitae Variant Classification Sherloc (09022015). Collection method: clinical testing. Allele origin: germline.
Comment: This sequence change creates a premature translational stop signal (p.Tyr221*) in the CRX gene. While this is not anticipated to result in nonsense mediated decay, it is expected to disrupt the last 79 amino acid(s) of the CRX protein. This variant is not present in population databases (gnomAD no frequency). This premature translational stop signal has been observed in individuals with autosomal dominant CRX-related conditions (PMID: 29555955, 29641573, 31626798, 31630094). ClinVar contains an entry for this variant (Variation ID: 425193). In summary, the currently available evidence indicates that the variant is pathogenic, but additional data are needed to prove that conclusively. Therefore, this variant has been classified as Likely Pathogenic.

Blueprint Genetics
Classification: Likely pathogenic for CRX-related disorders. Last evaluated: 2018-07-24. Review status: criteria provided, single submitter. Criteria: ACMG Guidelines, 2015. Collection method: clinical testing. Allele origin: germline. Affected: yes. Observed: 1 variant allele.

CeGaT Center for Human Genetics Tuebingen
Classification: Likely pathogenic. Last evaluated: 2016-11-01. Review status: criteria provided, single submitter. Criteria: CeGaT Center For Human Genetics Tuebingen Variant Classification Criteria Version 2. Collection method: clinical testing. Allele origin: germline. Affected: yes. Observed: 1 variant allele.

Literature cited by the submitters: PubMed 29555955 (cited by Labcorp Genetics (formerly Invitae), Labcorp); PubMed 29641573 (cited by Labcorp Genetics (formerly Invitae), Labcorp); PubMed 31626798 (cited by Labcorp Genetics (formerly Invitae), Labcorp); PubMed 31630094 (cited by Labcorp Genetics (formerly Invitae), Labcorp).

NM_000554.6(CRX):c.663C>A (p.Tyr221Ter)

Gene: CRX (cone-rod homeobox; plus strand). Cytogenetic location: 19q13.33.
Variant type: single nucleotide variant.
Coding change: c.663C>A on transcript NM_000554.6 (MANE Select); coding-DNA position 663, C replaced by A.
Protein change: p.Tyr221Ter; replaces tyrosine 221 with a stop codon.
Molecular consequence: nonsense.
Genome position (GRCh38, 1-based): chr19:47,839,730, C>A. VCF-style: chr19-47839730-C-A. GRCh37 (hg19) VCF-style: chr19-48342987-C-A.
Other names: short protein forms Y221*.
Identifiers: ClinVar variation 425193 (VCV000425193.51), dbSNP rs1064797247, ClinGen allele CA16621743.